The following is an entry in ClinVar:

NM_002340.6(LSS):c.1758C>T (p.Thr586=)

Gene: LSS (lanosterol synthase; minus strand). Cytogenetic location: 21q22.3.
Variant type: single nucleotide variant.
Coding change: c.1758C>T on transcript NM_002340.6 (MANE Select); coding-DNA position 1758, C replaced by T.
Protein change: p.Thr586=; no amino-acid change (threonine 586 retained).
Molecular consequence: synonymous variant.
Genome position (GRCh38, 1-based): chr21:46,195,735, G>A on the plus strand (C>T on the coding strand, the complement: LSS is on the minus strand). VCF-style: chr21-46195735-G-A. GRCh37 (hg19) VCF-style: chr21-47615649-G-A.
Other names: c.1758C>T, p.Thr586= (NM_001001438.3); c.1725C>T, p.Thr575= (NM_001145436.2); c.1518C>T, p.Thr506= (NM_001145437.2).
Identifiers: ClinVar variation 3026504 (VCV003026504.22), dbSNP rs754646104, ClinGen allele CA10074867.

ClinVar aggregate classification (germline): Likely benign (1 of 4 stars; one submission).

Allele frequency attached by ClinVar (database versions not stated): ExAC 0.00002.
gnomAD v4.1: 67 of 1,613,758 alleles (0.0042%); highest among the groups gnomAD compares: Non-Finnish European, 0.0053%; no homozygotes.

Submission:

CeGaT Center for Human Genetics Tuebingen
Classification: Likely benign. Last evaluated: 2024-02-01. Review status: criteria provided, single submitter. Criteria: CeGaT Center For Human Genetics Tuebingen Variant Classification Criteria Version 2. Collection method: clinical testing. Allele origin: germline. Affected: yes. Observed: 1 variant allele.
Comment: LSS: BP4, BP7